The following is an entry in ClinVar:

ClinVar aggregate classification (germline): Uncertain significance. Review status: criteria provided, multiple submitters, no conflicts (2 of 4 stars). 2 submissions from 2 submitters: Uncertain significance (2). Last evaluated 2026-04-28.

Conditions:
Early-onset Parkinson disease 20. Also called: PARKINSON DISEASE 20, AUTOSOMAL RECESSIVE EARLY-ONSET. Identifiers: Orphanet 391411, MedGen C3809824, MONDO:0014233, OMIM 615530.
Developmental and epileptic encephalopathy, 53. Also called: Epileptic encephalopathy, early infantile, 53. Identifiers: MedGen C4479313, MONDO:0033362, OMIM 617389.
Inborn genetic diseases. Identifiers: MedGen C0950123, MeSH D030342.

Allele frequency attached by ClinVar (database versions not stated): gnomAD exomes below 0.00001 and 0.00002; gnomAD 0.00001; TOPMed 0.00001; ExAC 0.00002.
gnomAD v4.1: 7 of 1,609,734 alleles (0.00043%); highest among the groups gnomAD compares: Admixed American, 0.0084%; no homozygotes.

Submissions (2):

Ambry Genetics
Classification: Uncertain significance for Inborn genetic diseases. Last evaluated: 2026-04-28. Review status: criteria provided, single submitter. Criteria: Ambry Variant Classification Scheme 2023. Collection method: clinical testing. Allele origin: germline.
Comment: The c.4241C>T (p.T1414I) alteration is located in exon 32 (coding exon 32) of the SYNJ1 gene. This alteration results from a C to T substitution at nucleotide position 4241, causing the threonine (T) at amino acid position 1414 to be replaced by an isoleucine (I). Based on data from gnomAD, the T allele has an overall frequency of 0.002% (6/248874) total alleles studied. The highest observed frequency was 0.016% (1/6090) of Other alleles. This amino acid position is not well conserved in available vertebrate species. This alteration is predicted to be tolerated by in silico analysis. Based on insufficient or conflicting evidence, the clinical significance of this alteration remains unclear.

Labcorp Genetics (formerly Invitae), Labcorp
Classification: Uncertain significance for Developmental and epileptic encephalopathy, 53; Early-onset Parkinson disease 20. Last evaluated: 2022-07-06. Review status: criteria provided, single submitter. Criteria: Invitae Variant Classification Sherloc (09022015). Collection method: clinical testing. Allele origin: germline.
Comment: This sequence change replaces threonine, which is neutral and polar, with isoleucine, which is neutral and non-polar, at codon 1414 of the SYNJ1 protein (p.Thr1414Ile). This variant is present in population databases (rs754791304, gnomAD 0.01%). This variant has not been reported in the literature in individuals affected with SYNJ1-related conditions. ClinVar contains an entry for this variant (Variation ID: 569496). Algorithms developed to predict the effect of missense changes on protein structure and function are either unavailable or do not agree on the potential impact of this missense change (SIFT: "Deleterious"; PolyPhen-2: "Benign"; Align-GVGD: "Class C0"). In summary, the available evidence is currently insufficient to determine the role of this variant in disease. Therefore, it has been classified as a Variant of Uncertain Significance.

NM_203446.3(SYNJ1):c.*212C>T

Gene: SYNJ1 (synaptojanin 1; minus strand). Cytogenetic location: 21q22.11.
Variant type: single nucleotide variant.
Coding change: c.*212C>T on transcript NM_203446.3 (MANE Select); 212 bases downstream of the stop codon, C replaced by T.
Molecular consequence: 3 prime UTR variant. On other transcripts: missense variant (2).
Genome position (GRCh38, 1-based): chr21:32,631,593, G>A on the plus strand (C>T on the coding strand, the complement: SYNJ1 is on the minus strand). VCF-style: chr21-32631593-G-A. GRCh37 (hg19) VCF-style: chr21-34003903-G-A.
Other names: c.*212C>T (NM_001160302.2); c.3983C>T, p.Thr1328Ile (NM_001160306.2); c.4241C>T, p.Thr1414Ile (NM_003895.4); short protein forms T1414I, T1328I.
Identifiers: ClinVar variation 569496 (VCV000569496.8), dbSNP rs754791304, ClinGen allele CA10003156.